The following is an entry in ClinVar:

NM_001360016.2(G6PD):c.227C>T (p.Thr76Ile)

Gene: G6PD (glucose-6-phosphate dehydrogenase; minus strand). Cytogenetic location: Xq28.
Variant type: single nucleotide variant.
Coding change: c.227C>T on transcript NM_001360016.2 (MANE Select); coding-DNA position 227, C replaced by T.
Protein change: p.Thr76Ile; replaces threonine 76 with isoleucine.
Molecular consequence: missense variant.
Genome position (GRCh38, 1-based): chrX:154,535,977, G>A on the plus strand (C>T on the coding strand, the complement: G6PD is on the minus strand). VCF-style: chrX-154535977-G-A. GRCh37 (hg19) VCF-style: chrX-153764192-G-A.
Other names: c.317C>T, p.Thr106Ile (NM_000402.4); c.227C>T, p.Thr76Ile (NM_001042351.3); short protein forms T106I, T76I.
Identifiers: ClinVar variation 1434946 (VCV001434946.8), dbSNP rs2148331887, ClinGen allele CA415239709.
Genomic context (GRCh38, chrX:154,535,977, plus strand): 5'-GAGGCCCTGACACCACCCACCTTGAAGAAGGGCTCACTCTGTTTGCGGATGTCAGCCACT[G>A]TGAGGCGGGAACGGGCATAGCCCACGATGAAGGTGTTTTCGGGCAGAAGGCCATCCCGGA-3'
Protein context (NP_001346945.1, residues 66-86): FIVGYARSRL[Thr76Ile]VADIRKQSEP

ClinVar aggregate classification (germline): Uncertain significance (1 of 4 stars; one submission).

Conditions:
Anemia, nonspherocytic hemolytic, due to G6PD deficiency (CNSHA1). Also called: Hemolytic anemia due to G6PD deficiency; Class I glucose-6-phosphate dehydrogenase deficiency; Favism, susceptibility to; ANEMIA, CONGENITAL, NONSPHEROCYTIC HEMOLYTIC, 1. Identifiers: Orphanet 466026, MedGen C2720289, MONDO:0010480, OMIM 300908.

gnomAD v4.1: 1 of 1,212,084 alleles (0.000083%); highest among the groups gnomAD compares: Admixed American, 0.0022%; no homozygotes.

Submission:

Labcorp Genetics (formerly Invitae), Labcorp
Classification: Uncertain significance for Anemia, nonspherocytic hemolytic, due to G6PD deficiency. Last evaluated: 2021-07-17. Review status: criteria provided, single submitter. Criteria: Invitae Variant Classification Sherloc (09022015). Collection method: clinical testing. Allele origin: germline.
Comment: In summary, the available evidence is currently insufficient to determine the role of this variant in disease. Therefore, it has been classified as a Variant of Uncertain Significance. Advanced modeling of protein sequence and biophysical properties (such as structural, functional, and spatial information, amino acid conservation, physicochemical variation, residue mobility, and thermodynamic stability) performed at Invitae indicates that this missense variant is expected to disrupt G6PD protein function. This variant has not been reported in the literature in individuals affected with G6PD-related conditions. This variant is not present in population databases (ExAC no frequency). This sequence change replaces threonine with isoleucine at codon 76 of the G6PD protein (p.Thr76Ile). The threonine residue is moderately conserved and there is a moderate physicochemical difference between threonine and isoleucine.